The following is an entry in ClinVar:

NM_145261.4(DNAJC19):c.280+129G>A

Gene: DNAJC19 (DnaJ heat shock protein family (Hsp40) member C19; minus strand). Cytogenetic location: 3q26.33.
Variant type: single nucleotide variant.
Coding change: c.280+129G>A on transcript NM_145261.4 (MANE Select); 129 bases into the intron after coding-DNA position 280, G replaced by A.
Molecular consequence: intron variant.
Genome position (GRCh38, 1-based): chr3:180,985,797, C>T on the plus strand (G>A on the coding strand, the complement: DNAJC19 is on the minus strand). VCF-style: chr3-180985797-C-T. GRCh37 (hg19) VCF-style: chr3-180703585-C-T.
Other names: c.205+129G>A (NM_001190233.2).
Identifiers: ClinVar variation 676303 (VCV000676303.1), dbSNP rs115056126, ClinGen allele CA89106444.
Genomic context (GRCh38, chr3:180,985,797, plus strand): 5'-CTCATTCTGTAAGTAAAGTTTTCACTTAATTTCTTTTAAGACACCAAAAATATATGGCTC[C>T]AGCCTAGGAGACAGGACTTACAGATTTAAGTGTTACCTTTCTAATAGCCAGGAATTTGAG-3'

ClinVar aggregate classification (germline): Likely benign (1 of 4 stars; one submission).

Allele frequency attached by ClinVar (database versions not stated): gnomAD exomes 0.00054; gnomAD 0.00503; TOPMed 0.00516; 1000 Genomes Project 0.00539; 1000 Genomes Project 30x 0.00640.
gnomAD v4.1: 1,138 of 798,056 alleles (0.14%); highest among the groups gnomAD compares: African/African-American, 1.7%; 7 homozygotes.

Submission:

GeneDx
Classification: Likely benign. Last evaluated: 2018-06-16. Review status: criteria provided, single submitter. Criteria: GeneDx Variant Classification (06012015). Collection method: clinical testing. Allele origin: germline. Affected: yes.
Comment: This variant is considered likely benign or benign based on one or more of the following criteria: it is a conservative change, it occurs at a poorly conserved position in the protein, it is predicted to be benign by multiple in silico algorithms, and/or has population frequency not consistent with disease.